The following is an entry in ClinVar:

NM_182943.3(PLOD2):c.1484G>A (p.Arg495Gln)

Gene: PLOD2 (procollagen-lysine,2-oxoglutarate 5-dioxygenase 2; minus strand). Cytogenetic location: 3q24.
Variant type: single nucleotide variant.
Coding change: c.1484G>A on transcript NM_182943.3 (MANE Select); coding-DNA position 1484, G replaced by A.
Protein change: p.Arg495Gln; replaces arginine 495 with glutamine.
Molecular consequence: missense variant.
Genome position (GRCh38, 1-based): chr3:146,079,132, C>T on the plus strand (G>A on the coding strand, the complement: PLOD2 is on the minus strand). VCF-style: chr3-146079132-C-T. GRCh37 (hg19) VCF-style: chr3-145796919-C-T.
Other names: c.1484G>A, p.Arg495Gln (NM_000935.3); short protein forms R495Q.
Identifiers: ClinVar variation 2538004 (VCV002538004.4), dbSNP rs758538664, ClinGen allele CA2654886.

ClinVar aggregate classification (germline): Uncertain significance. Review status: criteria provided, multiple submitters, no conflicts (2 of 4 stars). 2 submissions from 2 submitters: Uncertain significance (2). Last evaluated 2024-08-02.

Conditions:
Inborn genetic diseases. Identifiers: MedGen C0950123, MeSH D030342.

Allele frequency attached by ClinVar (database versions not stated): ExAC 0.00001; TOPMed 0.00001; gnomAD 0.00002.

Submissions (2):

Labcorp Genetics (formerly Invitae), Labcorp
Classification: Uncertain significance. Last evaluated: 2024-08-02. Review status: criteria provided, single submitter. Criteria: Invitae Variant Classification Sherloc (09022015). Collection method: clinical testing. Allele origin: germline.
Comment: This sequence change replaces arginine, which is basic and polar, with glutamine, which is neutral and polar, at codon 495 of the PLOD2 protein (p.Arg495Gln). This variant is present in population databases (rs758538664, gnomAD 0.008%). This variant has not been reported in the literature in individuals affected with PLOD2-related conditions. ClinVar contains an entry for this variant (Variation ID: 2538004). Advanced modeling of protein sequence and biophysical properties (such as structural, functional, and spatial information, amino acid conservation, physicochemical variation, residue mobility, and thermodynamic stability) performed at Invitae indicates that this missense variant is not expected to disrupt PLOD2 protein function with a negative predictive value of 80%. In summary, the available evidence is currently insufficient to determine the role of this variant in disease. Therefore, it has been classified as a Variant of Uncertain Significance.

Ambry Genetics
Classification: Uncertain significance for Inborn genetic diseases. Last evaluated: 2023-04-18. Review status: criteria provided, single submitter. Criteria: Ambry Variant Classification Scheme 2023. Collection method: clinical testing. Allele origin: germline.